The following is an entry in ClinVar:

NM_012330.4(KAT6B):c.4672A>C (p.Thr1558Pro)

Gene: KAT6B (lysine acetyltransferase 6B; plus strand). Cytogenetic location: 10q22.2.
Variant type: single nucleotide variant.
Coding change: c.4672A>C on transcript NM_012330.4 (MANE Select); coding-DNA position 4672, A replaced by C.
Protein change: p.Thr1558Pro; replaces threonine 1558 with proline.
Molecular consequence: missense variant.
Genome position (GRCh38, 1-based): chr10:75,029,496, A>C. VCF-style: chr10-75029496-A-C. GRCh37 (hg19) VCF-style: chr10-76789254-A-C.
Other names: c.4123A>C, p.Thr1375Pro (NM_001256468.2, NM_001370138.1); c.3796A>C, p.Thr1266Pro (NM_001256469.2, NM_001370139.1, NM_001370140.1 and 2 more transcripts); c.3634A>C, p.Thr1212Pro (NM_001370132.1); c.2983A>C, p.Thr995Pro (NM_001370133.1); c.2587A>C, p.Thr863Pro (NM_001370134.1); c.2329A>C, p.Thr777Pro (NM_001370135.1); c.4672A>C, p.Thr1558Pro (NM_001370136.1, NM_001370137.1); c.3607A>C, p.Thr1203Pro (NM_001370143.1, NM_001370144.1); short protein forms T1203P, T1212P, T1266P, T1375P, T1558P, T777P, T863P, T995P.
Identifiers: ClinVar variation 3602538 (VCV003602538.1).

ClinVar aggregate classification (germline): Uncertain significance (1 of 4 stars; one submission).

Submission:

GeneDx
Classification: Uncertain significance. Last evaluated: 2024-07-31. Review status: criteria provided, single submitter. Criteria: GeneDx Variant Classification Process June 2021. Collection method: clinical testing. Allele origin: germline. Affected: yes.
Comment: Not observed at significant frequency in large population cohorts (gnomAD); In silico analysis supports that this missense variant has a deleterious effect on protein structure/function; Has not been previously published as pathogenic or benign to our knowledge